The following is an entry in ClinVar:

NM_138711.6(PPARG):c.1089G>A (p.Glu363=)

Gene: PPARG (peroxisome proliferator activated receptor gamma; plus strand). Cytogenetic location: 3p25.2.
Variant type: single nucleotide variant.
Coding change: c.1089G>A on transcript NM_138711.6 (MANE Select); coding-DNA position 1089, G replaced by A.
Protein change: p.Glu363=; no amino-acid change (glutamic acid 363 retained).
Molecular consequence: synonymous variant. On other transcripts: intron variant (5).
Genome position (GRCh38, 1-based): chr3:12,417,063, G>A. VCF-style: chr3-12417063-G-A. GRCh37 (hg19) VCF-style: chr3-12458562-G-A.
Other names: c.1089G>A, p.Glu363= (NM_001354666.3, NM_001354667.3, NM_001374263.2 and 3 more transcripts); c.462G>A, p.Glu154= (NM_001354669.2); c.1179G>A, p.Glu393= (NM_015869.5); c.729+10982G>A (NM_001374261.3, NM_001374262.3, NM_001330615.4); c.653+11064G>A (NM_001374266.1); c.819+10982G>A (NM_001374265.1).
Identifiers: ClinVar variation 3354140 (VCV003354140.2).

ClinVar aggregate classification (germline): Likely benign. Review status: criteria provided, single submitter (1 of 4 stars). 2 submissions from 2 submitters: Likely benign (1). 1 of the submissions does not count toward it. Last evaluated 2025-03-27.

Conditions:
PPARG-related disorder. Also called: PPARG-related disorders; PPARG-related condition.

gnomAD v4.1: 28 of 1,613,346 alleles (0.0017%); highest among the groups gnomAD compares: African/African-American, 0.0094%; no homozygotes.

Submissions (2):

Labcorp Genetics (formerly Invitae), Labcorp
Classification: Likely benign. Last evaluated: 2025-03-27. Review status: criteria provided, single submitter. Criteria: Invitae Variant Classification Sherloc (09022015). Collection method: clinical testing. Allele origin: germline.

PreventionGenetics, part of Exact Sciences
Classification: Likely benign for PPARG-related condition. Last evaluated: 2024-03-28. Review status: no assertion criteria provided. Collection method: clinical testing. Allele origin: germline. Not counted in ClinVar's aggregate classification.
Comment: This variant is classified as likely benign based on ACMG/AMP sequence variant interpretation guidelines (Richards et al. 2015 PMID: 25741868, with internal and published modifications).